The following is an entry in ClinVar:

NM_003560.4(PLA2G6):c.1547_1548dup (p.Gly517fs)

Gene: PLA2G6 (phospholipase A2 group VI; minus strand). Cytogenetic location: 22q13.1.
Variant type: Duplication.
Coding change: c.1547_1548dup on transcript NM_003560.4 (MANE Select); coding-DNA positions 1547 to 1548, 2 bases duplicated (CG; older notation c.1547_1548dupCG).
Protein change: p.Gly517fs; shifts the reading frame from glycine 517.
Molecular consequence: frameshift variant.
Genome position (GRCh38, 1-based): chr22:38,123,138-38,123,139, CG duplicated on the plus strand (CG on the coding strand, the reverse complement: PLA2G6 is on the minus strand); duplicating any 2 consecutive bases within chr22:38,123,138-38,123,140 gives the same sequence; the c. name uses the placement nearest the transcript's 3' end. VCF-style (leftmost placement, unchanged base first): chr22-38123137-C-CCG. GRCh37 (hg19) VCF-style: chr22-38519144-C-CCG.
Other names: c.1547_1548dupCG (NM_003560.4); c.1385_1386dup, p.Gly463fs (NM_001004426.3, NM_001199562.3, NM_001349865.2 and 1 more transcripts); c.1547_1548dup, p.Gly517fs (NM_001349864.2); c.1013_1014dup, p.Gly339fs (NM_001349867.2); c.869_870dup, p.Gly291fs (NM_001349868.2); c.851_852dup, p.Gly285fs (NM_001349869.2); short protein forms G285fs, G517fs, G291fs, G339fs, G463fs.
Identifiers: ClinVar variation 523033 (VCV000523033.47), dbSNP rs1555988204, ClinGen allele CA658799550.

ClinVar aggregate classification (germline): Pathogenic/Likely pathogenic. Review status: criteria provided, multiple submitters, no conflicts (2 of 4 stars). 3 submissions from 3 submitters: Pathogenic (2); Likely pathogenic (1). Last evaluated 2026-01-19.

Conditions:
Neurodegeneration with brain iron accumulation (NBIA). Identifiers: Orphanet 385, MedGen C2931845, MONDO:0018307.
Infantile neuroaxonal dystrophy (NBIA2A). Also called: NEURODEGENERATION WITH BRAIN IRON ACCUMULATION 2A; Infantile neuroaxonal dystrophy 1; SEITELBERGER DISEASE. Identifiers: Orphanet 35069, MedGen C0270724, MONDO:0024457, OMIM 256600.

Submissions (3):

Women's Health and Genetics/Laboratory Corporation of America, LabCorp
Classification: Pathogenic for Neurodegeneration with brain iron accumulation. Last evaluated: 2026-01-19. Review status: criteria provided, single submitter. Criteria: LabCorp Variant Classification Summary - May 2015. Collection method: clinical testing. Allele origin: germline.
Comment: Variant summary: PLA2G6 c.1547_1548dupCG (p.Gly517ArgfsX29) results in a premature termination codon, predicted to cause a truncation of the encoded protein or absence of the protein due to nonsense mediated decay, which are commonly known mechanisms for disease. The variant was absent in 157142 control chromosomes. c.1547_1548dupCG has been observed in homozygous individuals affected with infantile onset PLA2G6-associated neurodegeneration (e.g. Darling_2019). These data indicate that the variant is likely to be associated with disease. To our knowledge, no experimental evidence demonstrating an impact on protein function has been reported. The following publication has been ascertained in the context of this evaluation (PMID: 30340910). ClinVar contains an entry for this variant (Variation ID: 523033). Based on the evidence outlined above, the variant was classified as pathogenic.

CeGaT Center for Human Genetics Tuebingen
Classification: Likely pathogenic. Last evaluated: 2020-01-01. Review status: criteria provided, single submitter. Criteria: CeGaT Center For Human Genetics Tuebingen Variant Classification Criteria Version 2. Collection method: clinical testing. Allele origin: germline. Affected: yes. Observed: 2 variant alleles.

Genomic Research Center, Shahid Beheshti University of Medical Sciences
Classification: Pathogenic for Infantile neuroaxonal dystrophy. Last evaluated: 2017-12-18. Review status: criteria provided, single submitter. Criteria: ACMG Guidelines, 2015. Collection method: clinical testing. Allele origin: inherited. Affected: yes.

Literature cited by the submitters: PubMed 30340910 (cited by Women's Health and Genetics/Laboratory Corporation of America, LabCorp).